The following is an entry in ClinVar:

NM_181836.6(TMED7):c.542A>T (p.Asp181Val)

Genes: TICAM2-AS1 (TICAM2 antisense RNA 1; plus strand), TMED7 (transmembrane p24 trafficking protein 7; minus strand), TMED7-TICAM2 (TMED7-TICAM2 readthrough; minus strand). Cytogenetic location: 5q22.3.
Variant type: single nucleotide variant.
Coding change: c.542A>T on transcript NM_181836.6 (MANE Select); coding-DNA position 542, A replaced by T.
Protein change: p.Asp181Val; replaces aspartic acid 181 with valine.
Molecular consequence: missense variant.
Genome position (GRCh38, 1-based): chr5:115,616,342, T>A on the plus strand (A>T on the coding strand, the complement: TMED7 is on the minus strand). VCF-style: chr5-115616342-T-A. GRCh37 (hg19) VCF-style: chr5-114952039-T-A.
Other names: c.542A>T, p.Asp181Val (NM_001164468.4, NM_001164469.4); short protein forms D181V.
Identifiers: ClinVar variation 2182309 (VCV002182309.4), dbSNP rs767129261, ClinGen allele CA3375141.

ClinVar aggregate classification (germline): Uncertain significance (1 of 4 stars; one submission).

Allele frequency attached by ClinVar (database versions not stated): ExAC 0.00001; gnomAD 0.00001; TOPMed 0.00003; gnomAD exomes 0.00007.
gnomAD v4.1: 99 of 1,614,076 alleles (0.0061%); highest among the groups gnomAD compares: Non-Finnish European, 0.0081%; 1 homozygote.

Submission:

Labcorp Genetics (formerly Invitae), Labcorp
Classification: Uncertain significance. Last evaluated: 2025-11-19. Review status: criteria provided, single submitter. Criteria: Invitae Variant Classification Sherloc (09022015). Collection method: clinical testing. Allele origin: germline.
Comment: This sequence change replaces aspartic acid, which is acidic and polar, with valine, which is neutral and non-polar, at codon 181 of the TMED7 protein (p.Asp181Val). This variant is present in population databases (rs767129261, gnomAD 0.002%). This variant has not been reported in the literature in individuals affected with TMED7-related conditions. ClinVar contains an entry for this variant (Variation ID: 2182309). An algorithm developed to predict the effect of missense changes on protein structure and function (PolyPhen-2) suggests that this variant is likely to be disruptive. In summary, the available evidence is currently insufficient to determine the role of this variant in disease. Therefore, it has been classified as a Variant of Uncertain Significance.